The following is an entry in ClinVar:

ClinVar aggregate classification (germline): Uncertain significance. Review status: criteria provided, multiple submitters, no conflicts (2 of 4 stars). 2 submissions from 2 submitters: Uncertain significance (2). Last evaluated 2024-08-20.

Conditions:
Inborn genetic diseases. Identifiers: MedGen C0950123, MeSH D030342.

Allele frequency attached by ClinVar (database versions not stated): ExAC 0.00001; gnomAD 0.00001; gnomAD exomes 0.00001; TOPMed 0.00001.
gnomAD v4.1: 10 of 1,602,544 alleles (0.00062%); highest among the groups gnomAD compares: Admixed American, 0.0017%; no homozygotes.

Submissions (2):

Ambry Genetics
Classification: Uncertain significance for Inborn genetic diseases. Last evaluated: 2024-08-20. Review status: criteria provided, single submitter. Criteria: Ambry Variant Classification Scheme 2023. Collection method: clinical testing. Allele origin: germline.

Labcorp Genetics (formerly Invitae), Labcorp
Classification: Uncertain significance. Last evaluated: 2022-06-28. Review status: criteria provided, single submitter. Criteria: Invitae Variant Classification Sherloc (09022015). Collection method: clinical testing. Allele origin: germline.
Comment: In summary, the available evidence is currently insufficient to determine the role of this variant in disease. Therefore, it has been classified as a Variant of Uncertain Significance. Algorithms developed to predict the effect of missense changes on protein structure and function are either unavailable or do not agree on the potential impact of this missense change (SIFT: "Deleterious"; PolyPhen-2: "Probably Damaging"; Align-GVGD: "Class C0"). This variant has not been reported in the literature in individuals affected with SLC24A5-related conditions. This variant is present in population databases (rs765441873, gnomAD 0.005%). This sequence change replaces glycine, which is neutral and non-polar, with glutamic acid, which is acidic and polar, at codon 394 of the SLC24A5 protein (p.Gly394Glu).

NM_205850.3(SLC24A5):c.1181G>A (p.Gly394Glu)

Genes: MYEF2 (myelin expression factor 2; minus strand), SLC24A5 (solute carrier family 24 member 5; plus strand). Cytogenetic location: 15q21.1.
Variant type: single nucleotide variant.
Coding change: c.1181G>A on transcript NM_205850.3 (MANE Select); coding-DNA position 1181, G replaced by A.
Protein change: p.Gly394Glu; replaces glycine 394 with glutamic acid.
Molecular consequence: missense variant. On other transcripts: 3 prime UTR variant (2).
Genome position (GRCh38, 1-based): chr15:48,142,029, G>A. VCF-style: chr15-48142029-G-A. GRCh37 (hg19) VCF-style: chr15-48434226-G-A.
Other names: c.1181G>A (NM_205850.2); c.*879C>T (NM_001301210.2, NM_016132.5); short protein forms G394E.
Identifiers: ClinVar variation 2045568 (VCV002045568.5), dbSNP rs765441873, ClinGen allele CA7546089.
Genomic context (GRCh38, chr15:48,142,029, plus strand): 5'-GATTATTAATAAAACACAGTATTGGTAAGCACATTTTAACAGTATGCTTTTCTTTTGTAG[G>A]GAAAGGAGATATGGCTATGTCTAACATCGTGGGATCCAATGTGTTTGATATGTTGTGCCT-3'
Protein context (NP_995322.1, residues 384-404): TIASVLVARK[Gly394Glu]KGDMAMSNIV